The following is an entry in ClinVar:

ClinVar aggregate classification (germline): Uncertain significance (1 of 4 stars; one submission).

gnomAD v4.1: 1 of 1,614,010 alleles (0.000062%); highest among the groups gnomAD compares: Non-Finnish European, 0.000085%; no homozygotes.

Submission:

Ambry Genetics
Classification: Uncertain significance. Last evaluated: 2025-03-03. Review status: criteria provided, single submitter. Criteria: Ambry Variant Classification Scheme 2023. Collection method: clinical testing. Allele origin: germline.
Comment: The p.D798G variant (also known as c.2393A>G), located in coding exon 13 of the GEN1 gene, results from an A to G substitution at nucleotide position 2393. The aspartic acid at codon 798 is replaced by glycine, an amino acid with similar properties. This amino acid position is conserved. In addition, this alteration is predicted to be tolerated by in silico analysis. Based on the available evidence, the clinical significance of this variant remains unclear.

NM_001130009.3(GEN1):c.2393A>G (p.Asp798Gly)

Gene: GEN1 (GEN1 Holliday junction 5' flap endonuclease; plus strand). Cytogenetic location: 2p24.2.
Variant type: single nucleotide variant.
Coding change: c.2393A>G on transcript NM_001130009.3 (MANE Select); coding-DNA position 2393, A replaced by G.
Protein change: p.Asp798Gly; replaces aspartic acid 798 with glycine.
Molecular consequence: missense variant.
Genome position (GRCh38, 1-based): chr2:17,781,605, A>G. VCF-style: chr2-17781605-A-G. GRCh37 (hg19) VCF-style: chr2-17962872-A-G.
Other names: c.2393A>G, p.Asp798Gly (NM_182625.5); short protein forms D798G.
Identifiers: ClinVar variation 3853611 (VCV003853611.1).